The following is an entry in ClinVar:

ClinVar aggregate classification (germline): Uncertain significance (1 of 4 stars; one submission).

Submission:

Labcorp Genetics (formerly Invitae), Labcorp
Classification: Uncertain significance. Last evaluated: 2022-08-12. Review status: criteria provided, single submitter. Criteria: Invitae Variant Classification Sherloc (09022015). Collection method: clinical testing. Allele origin: germline.
Comment: In summary, the available evidence is currently insufficient to determine the role of this variant in disease. Therefore, it has been classified as a Variant of Uncertain Significance. Experimental studies and prediction algorithms are not available or were not evaluated, and the functional significance of this variant is currently unknown. This variant has not been reported in the literature in individuals affected with IFT74-related conditions. This variant is a gross deletion of the genomic region encompassing exon(s) 19-20 of the IFT74 gene, which includes the termination codon. This deletion extends beyond the assayed region for this gene and therefore may encompass additional genes. While this deletion is not anticipated to lead to nonsense mediated decay, it is expected to alter mRNA translation or result in a truncated protein product.

NC_000009.11:g.(?_27060569)_(27062734_?)del

Gene: IFT74 (intraflagellar transport 74; plus strand). Cytogenetic location: 9p21.2.
Variant type: Deletion.
Identifiers: ClinVar variation 1373520 (VCV001373520.5).